The following is an entry in ClinVar:

NM_000321.3(RB1):c.2625A>G (p.Leu875=)

Gene: RB1 (RB transcriptional corepressor 1; plus strand). Cytogenetic location: 13q14.2.
Variant type: single nucleotide variant.
Coding change: c.2625A>G on transcript NM_000321.3 (MANE Select); coding-DNA position 2625, A replaced by G.
Protein change: p.Leu875=; no amino-acid change (leucine 875 retained).
Molecular consequence: synonymous variant.
Genome position (GRCh38, 1-based): chr13:48,476,805, A>G. VCF-style: chr13-48476805-A-G. GRCh37 (hg19) VCF-style: chr13-49050941-A-G.
Identifiers: ClinVar variation 1093825 (VCV001093825.14), dbSNP rs774463152, ClinGen allele CA036362.

ClinVar aggregate classification (germline): Benign/Likely benign. Review status: criteria provided, multiple submitters, no conflicts (2 of 4 stars). 4 submissions from 4 submitters: Benign (1); Likely benign (3). Last evaluated 2026-06-25.

Conditions:
Retinoblastoma (RB1). Also called: RETINOBLASTOMA, SOMATIC. Identifiers: Orphanet 790, MedGen C0035335, MeSH D012175, MONDO:0008380, OMIM 180200, HP:0009919. Disease mechanism: loss of function. Inheritance: Both sporadic and heritable forms are tested..
Hereditary cancer-predisposing syndrome. Also called: Neoplastic Syndromes, Hereditary; Tumor predisposition; Hereditary Cancer Syndrome; Hereditary neoplastic syndrome. Identifiers: Orphanet 140162, MedGen C0027672, MeSH D009386, MONDO:0015356.

Allele frequency attached by ClinVar (database versions not stated): ExAC 0.00001; TOPMed 0.00001; gnomAD exomes 0.00002; gnomAD 0.00001.
gnomAD v4.1: 10 of 1,613,636 alleles (0.00062%); highest among the groups gnomAD compares: Non-Finnish European, 0.00085%; no homozygotes.

Submissions (4):

Myriad Genetics, Inc.
Classification: Benign for Retinoblastoma. Last evaluated: 2026-06-25. Review status: criteria provided, single submitter. Criteria: Myriad Autosomal Dominant, Autosomal Recessive and X-Linked Classification Criteria (2023). Collection method: clinical testing. Allele origin: unknown.
Comment: This variant is considered benign. This variant is a silent/synonymous amino acid change and it is not expected to impact splicing.

Labcorp Genetics (formerly Invitae), Labcorp
Classification: Likely benign for Retinoblastoma. Last evaluated: 2025-10-23. Review status: criteria provided, single submitter. Criteria: Invitae Variant Classification Sherloc (09022015). Collection method: clinical testing. Allele origin: germline.

All of Us Research Program, National Institutes of Health
Classification: Likely benign for Retinoblastoma. Last evaluated: 2024-07-29. Review status: criteria provided, single submitter. Criteria: ACMG Guidelines, 2015. Collection method: clinical testing. Allele origin: germline. Inheritance: Autosomal dominant inheritance. Observed: 2 variant alleles, 2 heterozygotes.
Comment: This study involves interpretation of variants in research participants for the purpose of population health screening. Participant phenotype was not available at the time of variant classification. Additional details can be found in publication PMID: 35346344, PMCID: PMC8962531

Ambry Genetics
Classification: Likely benign for Hereditary cancer-predisposing syndrome. Last evaluated: 2021-05-24. Review status: criteria provided, single submitter. Criteria: Ambry Variant Classification Scheme 2023. Collection method: clinical testing. Allele origin: germline.